The following is an entry in ClinVar:

NM_001042472.3(ABHD12):c.709G>A (p.Asp237Asn)

Genes: ABHD12 (abhydrolase domain containing 12, lysophospholipase; minus strand), LOC126863008 (CDK7 strongly-dependent group 2 enhancer GRCh37_chr20:25289826-25291025; plus strand). Cytogenetic location: 20p11.21.
Variant type: single nucleotide variant.
Coding change: c.709G>A on transcript NM_001042472.3 (MANE Select); coding-DNA position 709, G replaced by A.
Protein change: p.Asp237Asn; replaces aspartic acid 237 with asparagine.
Molecular consequence: missense variant.
Genome position (GRCh38, 1-based): chr20:25,309,486, C>T on the plus strand (G>A on the coding strand, the complement: ABHD12 is on the minus strand). VCF-style: chr20-25309486-C-T. GRCh37 (hg19) VCF-style: chr20-25290122-C-T.
Other names: c.709G>A, p.Asp237Asn (NM_015600.5); short protein forms D237N.
Identifiers: ClinVar variation 857111 (VCV000857111.6), dbSNP rs767716879, ClinGen allele CA9796036.

ClinVar aggregate classification (germline): Uncertain significance. Review status: criteria provided, multiple submitters, no conflicts (2 of 4 stars). 2 submissions from 2 submitters: Uncertain significance (2). Last evaluated 2023-12-11.

Allele frequency attached by ClinVar (database versions not stated): ExAC 0.00001; gnomAD exomes 0.00002 and 0.00006; gnomAD 0.00005; TOPMed 0.00007.
gnomAD v4.1: 90 of 1,614,082 alleles (0.0056%); highest among the groups gnomAD compares: Non-Finnish European, 0.0073%; no homozygotes.

Submissions (2):

Blueprint Genetics
Classification: Uncertain significance. Last evaluated: 2023-12-11. Review status: criteria provided, single submitter. Criteria: ACMG Guidelines, 2015. Collection method: clinical testing. Allele origin: germline.

Labcorp Genetics (formerly Invitae), Labcorp
Classification: Uncertain significance. Last evaluated: 2022-09-13. Review status: criteria provided, single submitter. Criteria: Invitae Variant Classification Sherloc (09022015). Collection method: clinical testing. Allele origin: germline.
Comment: This sequence change replaces aspartic acid, which is acidic and polar, with asparagine, which is neutral and polar, at codon 237 of the ABHD12 protein (p.Asp237Asn). This variant is present in population databases (rs767716879, gnomAD 0.003%). This variant has not been reported in the literature in individuals affected with ABHD12-related conditions. ClinVar contains an entry for this variant (Variation ID: 857111). Advanced modeling of protein sequence and biophysical properties (such as structural, functional, and spatial information, amino acid conservation, physicochemical variation, residue mobility, and thermodynamic stability) performed at Invitae indicates that this missense variant is not expected to disrupt ABHD12 protein function. Algorithms developed to predict the effect of sequence changes on RNA splicing suggest that this variant may create or strengthen a splice site. In summary, the available evidence is currently insufficient to determine the role of this variant in disease. Therefore, it has been classified as a Variant of Uncertain Significance.